The following is an entry in ClinVar:

NM_020971.3(SPTBN4):c.3354G>A (p.Leu1118=)

Gene: SPTBN4 (spectrin beta, non-erythrocytic 4; plus strand). Cytogenetic location: 19q13.2.
Variant type: single nucleotide variant.
Coding change: c.3354G>A on transcript NM_020971.3 (MANE Select); coding-DNA position 3354, G replaced by A.
Protein change: p.Leu1118=; no amino-acid change (leucine 1118 retained).
Molecular consequence: synonymous variant.
Genome position (GRCh38, 1-based): chr19:40,519,851, G>A. VCF-style: chr19-40519851-G-A. GRCh37 (hg19) VCF-style: chr19-41025758-G-A.
Other names: c.3354G>A (NM_020971.2).
Identifiers: ClinVar variation 2649894 (VCV002649894.24), dbSNP rs201389714, ClinGen allele CA9445993.

ClinVar aggregate classification (germline): Benign/Likely benign. Review status: criteria provided, multiple submitters, no conflicts (2 of 4 stars). 3 submissions from 3 submitters: Benign (1); Likely benign (2). Last evaluated 2026-03-28.

Conditions:
SPTBN4-related disorder. Also called: SPTBN4-related condition.

Allele frequency attached by ClinVar (database versions not stated): 1000 Genomes Project 0.00040; 1000 Genomes Project 30x 0.00062; gnomAD 0.00294; gnomAD exomes 0.00506; ExAC 0.01505.
gnomAD v4.1: 7,016 of 1,456,110 alleles (0.48%); highest among the groups gnomAD compares: Non-Finnish European, 0.58%; 23 homozygotes.

Submissions (3):

PreventionGenetics, part of Exact Sciences
Classification: Benign for SPTBN4-related condition. Last evaluated: 2026-03-28. Review status: criteria provided, single submitter. Criteria: ACMG Guidelines, 2015. Collection method: clinical testing. Allele origin: germline.
Comment: This variant is classified as benign based on ACMG/AMP sequence variant interpretation guidelines (Richards et al. 2015 PMID: 25741868, with internal and published modifications).

CeGaT Center for Human Genetics Tuebingen
Classification: Likely benign. Last evaluated: 2026-01-01. Review status: criteria provided, single submitter. Criteria: CeGaT Center For Human Genetics Tuebingen Variant Classification Criteria Version 2. Collection method: clinical testing. Allele origin: germline. Affected: yes. Observed: 15 variant alleles.
Comment: SPTBN4: BP4, BP7, BS2

Blueprint Genetics
Classification: Likely benign. Last evaluated: 2024-11-22. Review status: criteria provided, single submitter. Criteria: ACMG Guidelines, 2015. Collection method: clinical testing. Allele origin: germline.